The following continues an entry in ClinVar:

NM_001171.6(ABCC6):c.1171A>G (p.Arg391Gly)

Gene: ABCC6. ClinVar aggregate classification (germline): Conflicting classifications of pathogenicity. Pathogenic (2); Likely pathogenic (2); Uncertain significance (13); Likely benign (2).

Submissions 10 to 20 of 21:

Women's Health and Genetics/Laboratory Corporation of America, LabCorp
Classification: Uncertain significance. Last evaluated: 2023-05-19. Review status: criteria provided, single submitter. Criteria: LabCorp Variant Classification Summary - May 2015. Collection method: clinical testing. Allele origin: germline.
Comment: Variant summary: ABCC6 c.1171A>G (p.Arg391Gly) results in a non-conservative amino acid change to a well-conserved residue (HGMD) located in a helix at the cytoplasmic site of transmembrane domain 1 (Szeri_2022) of the encoded protein sequence. Five of five in-silico tools predict a damaging effect of the variant on protein function. The variant allele was found at a frequency of 0.0056 in 250940 control chromosomes in the gnomAD database, including 5 homozygotes. c.1171A>G has been reported in the literature in many individuals affected with Pseudoxanthoma Elasticum who are compound heterozygous with other pathogenic variants (e.g. Chassaing_2004, Garcia-Fernandez_2008, Ringpfeil_2006, Saeidan_2022, Schulz_2006, Szeri_2002). A modest enrichment in the frequency of the variant in affected individuals over the general population suggests the possibility that it may be associated with disease with a low penetrance, possibly mediated by interactions with unidentified variants in an interacting partner protein of ABCC6 (Szeri_2022). These reports do not provide unequivocal conclusions about association of the variant with Pseudoxanthoma Elasticum. At least two publications report experimental evidence evaluating an impact on protein function, finding no damaging effect of this variant on expression, subcellular localization, or functional activity (Szeri_2022, Saeidan_2022). The following publications have been ascertained in the context of this evaluation (PMID: 36317459, 15086542, 16410789, 16835894, 18513494, 16835894). Eight submitters have provided clinical-significance assessments for this variant to ClinVar after 2014 with conflicting interpretations, and classified it as likely benign (n=2), pathogenic (n=1), and uncertain significance (n=5). Based on the evidence outlined above, the variant was classified as uncertain significance.

GeneDx
Classification: Pathogenic. Last evaluated: 2022-04-15. Review status: criteria provided, single submitter. Criteria: GeneDx Variant Classification Process June 2021. Collection method: clinical testing. Allele origin: germline. Affected: yes.
Comment: Recent study (not peer reviewed) including 590 probands with PXE showed a 2.9-fold enrichment of this variant among individuals with PXE versus population controls and incomplete penetrance, whereby only a small portion of probands with the p.(R391G) variant were symptomatic, but showed similar disease severity as probands with bi-allelic pathogenic loss-of-function variants (Szeri et al., 2020); Located in exon 9, a region with high sequence homology with an expressed pseudogene ABCC6P1; however, variant is not present in this pseudogene, which excludes the possibility that the high population frequency of p.(R391G) is due to a sequencing artifact; Arg391 residue is part of the 4th intracellular loop at the cytoplasmic surface of the protein and was suggested to have intramolecular interactions with several other residues and might be involved in the conformational switch of the protein (Szeri et al., 2020; Issa et al., 2020); In silico analysis, which includes protein predictors and evolutionary conservation, supports a deleterious effect; This variant is associated with the following publications: (PMID: 15086542, 34440381, 32445016, 11702217, 28102862, 11536079, 16410789, 16086317, 24008425, 14631379, 16835894, 29722917, 17617515, 23485117, 28655553, 31398764, 32818659, 22209248, 29487417, 32039214, 34205333, 32873932, 26135620, 34426522, 32442430, 34148116, 33005041)

MGZ Medical Genetics Center
Classification: Uncertain significance for Arterial calcification, generalized, of infancy, 2. Last evaluated: 2022-02-14. Review status: criteria provided, single submitter. Criteria: ACMG Guidelines, 2015. Collection method: clinical testing. Allele origin: germline. Affected: yes. Observed: 1 variant allele.
Comment: ACMG criteria applied: PM1, PP1, PP2, PP3

Institute of Human Genetics, Univ. Regensburg, Univ. Regensburg
Classification: Uncertain significance for Retinal dystrophy. Last evaluated: 2022-01-01. Review status: criteria provided, single submitter. Criteria: ACMG Guidelines, 2015. Collection method: clinical testing. Allele origin: germline. Affected: yes.

Labcorp Genetics (formerly Invitae), Labcorp
Classification: Likely benign. Last evaluated: 2019-12-31. Review status: criteria provided, single submitter. Criteria: Invitae Variant Classification Sherloc (09022015). Collection method: clinical testing. Allele origin: germline.

Genomic Research Center, Shahid Beheshti University of Medical Sciences
Classification: Uncertain significance for Pseudoxanthoma elasticum. Last evaluated: 2018-08-07. Review status: criteria provided, single submitter. Criteria: ACMG Guidelines, 2015. Collection method: clinical testing. Allele origin: inherited. Affected: no. Observed: 1 variant allele.

Eurofins Ntd Llc (ga)
Classification: Uncertain significance. Last evaluated: 2017-05-08. Review status: criteria provided, single submitter. Criteria: EGL Classification Definitions 2015. Collection method: clinical testing. Allele origin: germline. Observed: 1 variant allele, 1 heterozygote.

Laboratory for Molecular Medicine, Mass General Brigham Personalized Medicine
Classification: Uncertain significance. Last evaluated: 2016-03-28. Review status: criteria provided, single submitter. Criteria: LMM Criteria. Collection method: clinical testing. Allele origin: germline.
Comment: Variant identified in a genome or exome case(s) and assessed due to predicted null impact of the variant or pathogenic assertions in the literature or databases. Disclaimer: This variant has not undergone full assessment. The following are preliminary notes: Reported in an individual with cutanous Pseudoxanthoma Elasticum who also had a multi exon deletion in ABCC6 (Chassing 2004). Also reported in two probands and in one affected twin sibling with generalized arterial calcification of infancy (Nitschke 2012), one of whom also had a frameshift variant. This was the only variant identified in the twins. MAF 0.8% with 3 homozygotes in ExAC.

Kariminejad - Najmabadi Pathology & Genetics Center
Classification: Likely pathogenic for Autosomal recessive inherited pseudoxanthoma elasticum. Review status: criteria provided, single submitter. Criteria: ACMG Guidelines, 2015. Collection method: clinical testing. Allele origin: germline. Affected: no.

Neuberg Centre For Genomic Medicine, NCGM
Classification: Uncertain significance for Pseudoxanthoma elasticum, forme fruste. Review status: criteria provided, single submitter. Criteria: ACMG Guidelines, 2015. Collection method: clinical testing. Allele origin: germline. Inheritance: Autosomal dominant inheritance. Affected: yes.
Comment: The observed missense c.1171A>G(p.Arg391Gly) variant in ABCC6 gene has been reported in homozygous or compound heterozygous state in multiple individuals affected with Pseudoxanthoma elasticum (Szeri F, et. al., 2022). This variant is present with an allele frequency of 0.5% in gnomAD Exomes database. This variant has been reported to the ClinVar database as Likely Benign/ Pathogenic/Likely Pathogenic/Uncertain Significance. The amino acid change p.Arg391Gly in ABCC6 is predicted as conserved by GERP++ and PhyloP across 100 vertebrates. The amino acid Arg at position 391 is changed to a Gly changing protein sequence and it might alter its composition and physico-chemical properties. Multiple lines of computational evidence (Polyphen - Damaging, SIFT - Damaging and MutationTaster - Disease causing) predict a damaging effect on protein structure and function for this variant. Additional functional studies are required to prove pathogenicity of the variant. For these reasons, this variant has been classified as Variant of Uncertain Significance (VUS).

PXE International
Classification: Uncertain significance for Autosomal recessive inherited pseudoxanthoma elasticum. Last evaluated: 2021-03-01. Review status: no assertion criteria provided. Collection method: research. Allele origin: germline. Inheritance: Autosomal recessive inheritance. Affected: yes. Observed: 13 variant alleles. Clinical features observed: Papule (HP:0200034), Skin plaque (HP:0200035), Peau d'orange retinal changes, Angioid streaks (HP:0001102), Weak or absent arterial pulse, Angina pectoris (HP:0001681), Abnormal EKG (HP:0003115), Seizures, Myocardial infarction (HP:0001658), Retinal hemorrhage (HP:0000573), Vascular surgery, Intermittent claudication (HP:0004417), and 1 more. Not counted in ClinVar's aggregate classification.